The following is an entry in ClinVar:

ClinVar aggregate classification (germline): Pathogenic/Likely pathogenic. Review status: criteria provided, multiple submitters, no conflicts (2 of 4 stars). 2 submissions from 2 submitters: Pathogenic (1); Likely pathogenic (1). Last evaluated 2024-05-09.

Conditions:
Intellectual developmental disorder, autosomal dominant 30, with speech delay and behavioral abnormalities. Also called: Intellectual disability, autosomal dominant 30. Identifiers: Orphanet 436151, MedGen C4015167, MONDO:0014486, OMIM 616083.

Submissions (2):

GeneDx
Classification: Pathogenic. Last evaluated: 2024-05-09. Review status: criteria provided, single submitter. Criteria: GeneDx Variant Classification Process June 2021. Collection method: clinical testing. Allele origin: germline. Affected: yes.
Comment: Identified in patients with features of ZMYND11-related neurodevelopmental disorder with multiple anomalies referred for genetic testing at GeneDx and in published literature (PMID: 34216016); Frameshift variant predicted to result in protein truncation or nonsense mediated decay in a gene for which loss of function is a known mechanism of disease; Not observed at significant frequency in large population cohorts (gnomAD); This variant is associated with the following publications: (PMID: 34216016)

Institute of Human Genetics, University of Leipzig Medical Center
Classification: Likely pathogenic for Intellectual developmental disorder, autosomal dominant 30, with speech delay and behavioral abnormalities. Last evaluated: 2021-04-13. Review status: criteria provided, single submitter. Criteria: ACMG Guidelines, 2015. Collection method: clinical testing. Allele origin: unknown. Inheritance: Sporadic. Affected: yes.

NM_001370100.5(ZMYND11):c.737_738del (p.Lys246fs)

Gene: ZMYND11 (zinc finger MYND-type containing 11; plus strand). Cytogenetic location: 10p15.3.
Variant type: Deletion.
Coding change: c.737_738del on transcript NM_001370100.5 (MANE Select); coding-DNA positions 737 to 738, 2 bases deleted (AA; older notation c.737_738delAA).
Protein change: p.Lys246fs; shifts the reading frame from lysine 246.
Molecular consequence: frameshift variant. On other transcripts: intron variant (2).
Genome position (GRCh38, 1-based): chr10:240,095-240,096, AA deleted; deleting any 2 consecutive bases within chr10:240,094-240,096 gives the same sequence; the c. name uses the placement nearest the transcript's 3' end. VCF-style (leftmost placement, unchanged base first): chr10-240093-TAA-T. GRCh37 (hg19) VCF-style: chr10-286033-TAA-T.
Other names: c.737_738delAA (NM_006624.5); c.737_738del, p.Lys246fs (NM_001370099.2, NM_001370101.2, NM_001370102.2 and 6 more transcripts); c.575_576del, p.Lys192fs (NM_001370103.2, NM_001370104.2, NM_001370105.2 and 6 more transcripts); c.482_483del, p.Lys161fs (NM_001370110.2, NM_001202465.3); c.572_573del, p.Lys191fs (NM_001370111.2, NM_001202466.3); c.686_687del, p.Lys229fs (NM_001370112.2, NM_001330057.3); c.644_645del, p.Lys215fs (NM_001370113.2, NM_001370114.2); c.734_735del, p.Lys245fs (NM_001370115.2, NM_212479.4); and 7 more; short protein forms K152fs, K161fs, K170fs, K229fs, K245fs, K246fs, K191fs, K192fs.
Identifiers: ClinVar variation 504175 (VCV000504175.4), dbSNP rs1554789246, ClinGen allele CA658797399.
Genomic context (GRCh38, chr10:240,093, plus strand): 5'-GTAATATCTATTTTTAATTACAGCAGACAGTGAGCAAGCTGACATTGCGAGGATGCTATA[TAA>T]AGACACATGTCATGAGGTACTATTCATTGCCCAATAGTTATACTCTTTCTATAACTGAAA-3'